The following is an entry in ClinVar:

NM_031229.4(RBCK1):c.1308+3G>A

Gene: RBCK1 (RANBP2-type and C3HC4-type zinc finger containing 1; plus strand). Cytogenetic location: 20p13.
Variant type: single nucleotide variant.
Coding change: c.1308+3G>A on transcript NM_031229.4 (MANE Select); 3 bases into the intron after coding-DNA position 1308, G replaced by A.
Molecular consequence: intron variant.
Genome position (GRCh38, 1-based): chr20:428,592, G>A. VCF-style: chr20-428592-G-A. GRCh37 (hg19) VCF-style: chr20-409236-G-A.
Other names: c.798+3G>A (NM_001323956.2, NM_001323958.2); c.1182+3G>A (NM_006462.6).
Identifiers: ClinVar variation 1418933 (VCV001418933.3), dbSNP rs757924227, ClinGen allele CA9723334.
Genomic context (GRCh38, chr20:428,592, plus strand): 5'-CCTGGCCCTGCGGGCTCAGAACGATGTGGCTGCCCGGCAGACGACAGAGATGCTGAAGGT[G>A]AGGCTGGGACAGGGCCGAGGCCTAGGGATTTTAAGTTCTGGGATCCAGGTGGGGGCTGGG-3'

ClinVar aggregate classification (germline): Uncertain significance (1 of 4 stars; one submission).

Conditions:
Polyglucosan body myopathy type 1 (PGBM1). Also called: Polyglucosan body myopathy 1 with or without immunodeficiency; POLYGLUCOSAN BODY MYOPATHY WITHOUT IMMUNODEFICIENCY. Identifiers: Orphanet 329173, Orphanet 397937, MedGen C4014605, MONDO:0014389, OMIM 615895.

Allele frequency attached by ClinVar (database versions not stated): ExAC 0.00001; gnomAD 0.00001; gnomAD exomes 0.00002; TOPMed 0.00002.
gnomAD v4.1: 10 of 1,608,830 alleles (0.00062%); highest among the groups gnomAD compares: Admixed American, 0.0068%; no homozygotes.

Submission:

Labcorp Genetics (formerly Invitae), Labcorp
Classification: Uncertain significance for Polyglucosan body myopathy type 1. Last evaluated: 2022-10-17. Review status: criteria provided, single submitter. Criteria: Invitae Variant Classification Sherloc (09022015). Collection method: clinical testing. Allele origin: germline.
Comment: This sequence change falls in intron 10 of the RBCK1 gene. It does not directly change the encoded amino acid sequence of the RBCK1 protein. It affects a nucleotide within the consensus splice site. This variant is present in population databases (rs757924227, gnomAD 0.006%). This variant has not been reported in the literature in individuals affected with RBCK1-related conditions. ClinVar contains an entry for this variant (Variation ID: 1418933). Variants that disrupt the consensus splice site are a relatively common cause of aberrant splicing (PMID: 17576681, 9536098). Algorithms developed to predict the effect of sequence changes on RNA splicing suggest that this variant is not likely to affect RNA splicing. In summary, the available evidence is currently insufficient to determine the role of this variant in disease. Therefore, it has been classified as a Variant of Uncertain Significance.

Literature cited by the submitters: PubMed 17576681; PubMed 9536098.